The following is an entry in ClinVar:

ClinVar aggregate classification (germline): Conflicting classifications of pathogenicity. Review status: criteria provided, conflicting classifications (1 of 4 stars). 8 submissions from 8 submitters: Uncertain significance (2); Likely benign (4). 2 of the submissions do not count toward it. Last evaluated 2026-01-27.

Conditions:
TCIRG1-related disorder. Also called: TCIRG1-related condition.
Autosomal recessive osteopetrosis 1. Also called: TCIRG1-Related Autosomal Recessive Osteopetrosis; ALBERS-SCHONBERG DISEASE, AUTOSOMAL RECESSIVE; TCIRG1-Related Osteopetrosis. Identifiers: Orphanet 667, MedGen C1850127, MONDO:0009815, OMIM 259700.

Allele frequency attached by ClinVar (database versions not stated): gnomAD 0.00022; ExAC 0.00029; 1000 Genomes Project 30x 0.00031; gnomAD exomes 0.00033; ESP Exome Variant Server 0.00038; 1000 Genomes Project 0.00040; TOPMed 0.00043.
gnomAD v4.1: 423 of 1,613,886 alleles (0.026%); highest among the groups gnomAD compares: Middle Eastern, 0.48%; no homozygotes.

Submissions (8):

Labcorp Genetics (formerly Invitae), Labcorp
Classification: Likely benign. Last evaluated: 2026-01-27. Review status: criteria provided, single submitter. Criteria: Invitae Variant Classification Sherloc (09022015). Collection method: clinical testing. Allele origin: germline.

CeGaT Center for Human Genetics Tuebingen
Classification: Likely benign. Last evaluated: 2025-04-01. Review status: criteria provided, single submitter. Criteria: CeGaT Center For Human Genetics Tuebingen Variant Classification Criteria Version 2. Collection method: clinical testing. Allele origin: germline. Affected: yes. Observed: 3 variant alleles.
Comment: TCIRG1: BP4, BP7

PreventionGenetics, part of Exact Sciences
Classification: Likely benign for TCIRG1-related condition. Last evaluated: 2024-10-17. Review status: criteria provided, single submitter. Criteria: ACMG Guidelines, 2015. Collection method: clinical testing. Allele origin: germline.
Comment: This variant is classified as likely benign based on ACMG/AMP sequence variant interpretation guidelines (Richards et al. 2015 PMID: 25741868, with internal and published modifications).

Blueprint Genetics
Classification: Likely benign. Last evaluated: 2024-10-15. Review status: criteria provided, single submitter. Criteria: ACMG Guidelines, 2015. Collection method: clinical testing. Allele origin: germline.

Illumina Laboratory Services, Illumina
Classification: Uncertain significance for Autosomal recessive osteopetrosis 1. Last evaluated: 2018-01-13. Review status: criteria provided, single submitter. Criteria: ICSL Variant Classification Criteria 13 December 2019. Collection method: clinical testing. Allele origin: germline.

Eurofins Ntd Llc (ga)
Classification: Uncertain significance. Last evaluated: 2016-07-07. Review status: criteria provided, single submitter. Criteria: EGL Classification Definitions 2015. Collection method: clinical testing. Allele origin: germline. Observed: 1 variant allele, 1 heterozygote.

Natera, Inc.
Classification: Uncertain significance for Infantile malignant osteopetrosis. Last evaluated: 2020-01-24. Review status: no assertion criteria provided. Collection method: clinical testing. Allele origin: germline. Not counted in ClinVar's aggregate classification.

Department of Pathology and Laboratory Medicine, Sinai Health System
Classification: Uncertain significance. Review status: no assertion criteria provided. Collection method: clinical testing. Allele origin: unknown. Affected: yes. Study: The Canadian Open Genetics Repository (COGR). Not counted in ClinVar's aggregate classification.
Comment: The TCIRG1 p.Gly599Gly variant was not identified in the literature nor was it identified in Cosmic or LOVD 3.0. The variant was identified in dbSNP (ID: rs150788130) and in ClinVar (classified as a VUS by EGL Genetics and Praxis fuer Humangenetik Tuebingen). The variant was also identified in control databases in 91 of 282564 chromosomes (1 homozygous) at a frequency of 0.000322 (Genome Aggregation Database Feb 27, 2017) and was observed in the following populations: Other in 9 of 7222 chromosomes (freq: 0.001246), European (Finnish) in 18 of 24946 chromosomes (freq: 0.000722), Latino in 21 of 35430 chromosomes (freq: 0.000593), European (non-Finnish) in 35 of 129092 chromosomes (freq: 0.000271), African in 6 of 24946 chromosomes (freq: 0.000241), Ashkenazi Jewish in 1 of 10364 chromosomes (freq: 0.000096) and East Asian in 1 of 19948 chromosomes (freq: 0.00005), while the variant was not observed in the South Asian population. The p.Gly599Gly variant is not expected to have clinical significance because it does not result in a change of amino acid and is not located in a known consensus splice site. However, 3 of 4 in silico or computational prediction software programs, (MaxEntScan, NNSPLICE, GeneSplicer) predict the creation of a new 5' splice site; this information is not predictive enough to assume pathogenicity. In summary, based on the above information the clinical significance of this variant cannot be determined with certainty at this time. This variant is classified as a variant of uncertain significance.

NM_006019.4(TCIRG1):c.2445C>T (p.Gly815=)

Gene: TCIRG1 (T cell immune regulator 1, ATPase H+ transporting V0 subunit a3; plus strand). Cytogenetic location: 11q13.2.
Variant type: single nucleotide variant.
Coding change: c.2445C>T on transcript NM_006019.4 (MANE Select); coding-DNA position 2445, C replaced by T.
Protein change: p.Gly815=; no amino-acid change (glycine 815 retained).
Molecular consequence: synonymous variant.
Genome position (GRCh38, 1-based): chr11:68,050,771, C>T. VCF-style: chr11-68050771-C-T. GRCh37 (hg19) VCF-style: chr11-67818238-C-T.
Other names: c.1551C>T, p.Gly517= (NM_001351059.2); c.1797C>T, p.Gly599= (NM_006053.4).
Identifiers: ClinVar variation 288211 (VCV000288211.65), dbSNP rs150788130, ClinGen allele CA6147547.
Genomic context (GRCh38, chr11:68,050,771, plus strand): 5'-CTCACCAACCCCTCTGCTTCTCACCCCCAGGGTGGAATTCCAGAACAAGTTCTACTCAGG[C>T]ACGGGCTACAAGCTGAGTCCCTTCACCTTCGCTGCCACAGATGACTAGGGCCCACTGCAG-3'
Protein context (NP_006010.2, residues 805-825): WVEFQNKFYS[Gly815=]TGYKLSPFTF